The following is an entry in ClinVar:

NM_017636.4(TRPM4):c.1335T>G (p.Ile445Met)

Gene: TRPM4 (transient receptor potential cation channel subfamily M member 4; plus strand). Cytogenetic location: 19q13.33.
Variant type: single nucleotide variant.
Coding change: c.1335T>G on transcript NM_017636.4 (MANE Select); coding-DNA position 1335, T replaced by G.
Protein change: p.Ile445Met; replaces isoleucine 445 with methionine.
Molecular consequence: missense variant. On other transcripts: 5 prime UTR variant (1).
Genome position (GRCh38, 1-based): chr19:49,182,649, T>G. VCF-style: chr19-49182649-T-G. GRCh37 (hg19) VCF-style: chr19-49685906-T-G.
Other names: c.1335T>G, p.Ile445Met (NM_001195227.2); c.990T>G, p.Ile330Met (NM_001321281.2); c.-219T>G (NM_001321282.2); c.813T>G, p.Ile271Met (NM_001321283.2); c.273T>G, p.Ile91Met (NM_001321285.2); short protein forms I445M, I271M, I330M, I91M.
Identifiers: ClinVar variation 1374077 (VCV001374077.6), dbSNP rs1410972838, ClinGen allele CA406799123.

ClinVar aggregate classification (germline): Uncertain significance (1 of 4 stars; one submission).

Conditions:
Progressive familial heart block type IB (PFHB1B). Identifiers: Orphanet 871, MedGen C1970298, MONDO:0011474, OMIM 604559.

Submission:

Labcorp Genetics (formerly Invitae), Labcorp
Classification: Uncertain significance for Progressive familial heart block type IB. Last evaluated: 2021-10-16. Review status: criteria provided, single submitter. Criteria: Invitae Variant Classification Sherloc (09022015). Collection method: clinical testing. Allele origin: germline.
Comment: In summary, the available evidence is currently insufficient to determine the role of this variant in disease. Therefore, it has been classified as a Variant of Uncertain Significance. Algorithms developed to predict the effect of missense changes on protein structure and function are either unavailable or do not agree on the potential impact of this missense change (SIFT: "Tolerated"; PolyPhen-2: "Possibly Damaging"; Align-GVGD: "Class C0"). This variant has not been reported in the literature in individuals affected with TRPM4-related conditions. This variant is not present in population databases (ExAC no frequency). This sequence change replaces isoleucine with methionine at codon 445 of the TRPM4 protein (p.Ile445Met). The isoleucine residue is weakly conserved and there is a small physicochemical difference between isoleucine and methionine.